The following is an entry in ClinVar:

ClinVar aggregate classification (germline): Pathogenic (0 of 4 stars; one submission).

Conditions:
TMPRSS6-related disorder. Also called: TMPRSS6-related condition.

Submission:

PreventionGenetics, part of Exact Sciences
Classification: Pathogenic for TMPRSS6-related condition. Last evaluated: 2024-05-21. Review status: no assertion criteria provided. Collection method: clinical testing. Allele origin: germline.
Comment: The TMPRSS6 c.147delC variant is predicted to result in a frameshift and premature protein termination (p.Tyr50Thrfs*27). This variant has been reporting in a homozygous individual with chronic iron deficiency (Table S1 Heeney et al. 2018. PubMed ID: 29895660). This variant is reported in 0.0062% of alleles in individuals of African descent in gnomAD. Frameshift variants in TMPRSS6 are expected to be pathogenic. This variant is interpreted as pathogenic.

NM_001374504.1(TMPRSS6):c.120del (p.Tyr41fs)

Gene: TMPRSS6 (transmembrane serine protease 6; minus strand). Cytogenetic location: 22q12.3.
Variant type: Deletion.
Coding change: c.120del on transcript NM_001374504.1 (MANE Select); coding-DNA position 120, one base deleted (C; older notation c.120delC).
Protein change: p.Tyr41fs; shifts the reading frame from tyrosine 41.
Molecular consequence: frameshift variant.
Genome position (GRCh38, 1-based): chr22:37,103,298, G deleted on the plus strand (C on the coding strand, the reverse complement: TMPRSS6 is on the minus strand). VCF-style (leftmost placement, unchanged base first): chr22-37103297-AG-A. GRCh37 (hg19) VCF-style: chr22-37499337-AG-A.
Other names: c.120del, p.Tyr41fs (NM_001289000.2, NM_001289001.2, NM_153609.4); short protein forms Y41fs.
Identifiers: ClinVar variation 3355691 (VCV003355691.1).
Genomic context (GRCh38, chr22:37,103,297, plus strand): 5'-CCCCCGCCGAAGCCAGCACGAGCAGGGCCAGCAGCACAAACAGGGGCACCAGGCGGAGGT[AG>A]CCCCGGGCTTTTCTCTTGGAGTCCTCACAGGCCTTGAACATCCCCTCCGGCTCCGCTTCC-3'